The following is an entry in ClinVar:

ClinVar aggregate classification (germline): Uncertain significance (1 of 4 stars; one submission).

Submission:

Labcorp Genetics (formerly Invitae), Labcorp
Classification: Uncertain significance. Last evaluated: 2022-05-03. Review status: criteria provided, single submitter. Criteria: Invitae Variant Classification Sherloc (09022015). Collection method: clinical testing. Allele origin: germline.
Comment: This sequence change replaces leucine, which is neutral and non-polar, with proline, which is neutral and non-polar, at codon 497 of the FLNB protein (p.Leu497Pro). In summary, the available evidence is currently insufficient to determine the role of this variant in disease. Therefore, it has been classified as a Variant of Uncertain Significance. Advanced modeling of protein sequence and biophysical properties (such as structural, functional, and spatial information, amino acid conservation, physicochemical variation, residue mobility, and thermodynamic stability) performed at Invitae indicates that this missense variant is not expected to disrupt FLNB protein function. This variant has not been reported in the literature in individuals affected with FLNB-related conditions. This variant is not present in population databases (gnomAD no frequency).

NM_001457.4(FLNB):c.1490T>C (p.Leu497Pro)

Gene: FLNB (filamin B; plus strand). Cytogenetic location: 3p14.3.
Variant type: single nucleotide variant.
Coding change: c.1490T>C on transcript NM_001457.4 (MANE Select); coding-DNA position 1490, T replaced by C.
Protein change: p.Leu497Pro; replaces leucine 497 with proline.
Molecular consequence: missense variant.
Genome position (GRCh38, 1-based): chr3:58,103,965, T>C. VCF-style: chr3-58103965-T-C. GRCh37 (hg19) VCF-style: chr3-58089692-T-C.
Other names: c.1490T>C, p.Leu497Pro (NM_001164317.2, NM_001164318.2, NM_001164319.2); short protein forms L497P.
Identifiers: ClinVar variation 1953318 (VCV001953318.5), dbSNP rs2097255129, ClinGen allele CA353338150.